The following is an entry in ClinVar:

NM_000138.5(FBN1):c.4679C>T (p.Ala1560Val)

Gene: FBN1 (fibrillin 1; minus strand). Cytogenetic location: 15q21.1.
Variant type: single nucleotide variant.
Coding change: c.4679C>T on transcript NM_000138.5 (MANE Select); coding-DNA position 4679, C replaced by T.
Protein change: p.Ala1560Val; replaces alanine 1560 with valine.
Molecular consequence: missense variant.
Genome position (GRCh38, 1-based): chr15:48,468,006, G>A on the plus strand (C>T on the coding strand, the complement: FBN1 is on the minus strand). VCF-style: chr15-48468006-G-A. GRCh37 (hg19) VCF-style: chr15-48760203-G-A.
Other names: c.4679C>T, p.Ala1560Val (NM_001406716.1); short protein forms A1560V.
Identifiers: ClinVar variation 2773341 (VCV002773341.3), dbSNP rs2505501683, ClinGen allele CA392352986.

ClinVar aggregate classification (germline): Uncertain significance. Review status: criteria provided, multiple submitters, no conflicts (2 of 4 stars). 2 submissions from 2 submitters: Uncertain significance (2). Last evaluated 2023-12-27.

Conditions:
Marfan syndrome (MFS). Also called: FBN1-Related Marfan Syndrome; MARFAN SYNDROME, TYPE I; Marfan syndrome type 1; Marfan's syndrome; Marfan syndrome, classic. Identifiers: Orphanet 284963, Orphanet 558, MedGen C0024796, MONDO:0007947, OMIM 154700.
Familial thoracic aortic aneurysm and aortic dissection (TAAD). Also called: Thoracic aortic aneurysms and dissections. Identifiers: Orphanet 91387, MedGen C4707243, MONDO:0019625.

gnomAD v4.1: 2 of 1,614,150 alleles (0.00012%); highest among the groups gnomAD compares: Non-Finnish European, 0.00017%; no homozygotes.

Submissions (2):

Color Diagnostics, LLC DBA Color Health
Classification: Uncertain significance for Familial thoracic aortic aneurysm and aortic dissection. Last evaluated: 2023-12-27. Review status: criteria provided, single submitter. Criteria: ACMG Guidelines, 2015. Collection method: clinical testing. Allele origin: germline.
Comment: This missense variant replaces alanine with valine at codon 1560 of the FBN1 protein. Computational prediction suggests that this variant may have deleterious impact on protein structure and function (internally defined REVEL score threshold >= 0.7, PMID: 27666373). To our knowledge, functional studies have not been reported for this variant. This variant has not been reported in individuals affected with FBN1-related disorders in the literature. This variant has not been identified in the general population by the Genome Aggregation Database (gnomAD). The available evidence is insufficient to determine the role of this variant in disease conclusively. Therefore, this variant is classified as a Variant of Uncertain Significance.

Illumina Laboratory Services, Illumina
Classification: Uncertain significance for Marfan syndrome. Last evaluated: 2018-06-04. Review status: criteria provided, single submitter. Criteria: ICSLVariantClassificationCriteria RUGD 01 April 2020. Collection method: clinical testing. Allele origin: unknown.
Comment: The FBN1 c.4679C>T p.(Ala1560Val) missense variant has not, to our knowledge, been reported in the peer-reviewed literature. This variant is not observed in version 2.1.1 of the Genome Aggregation Database. The p.Ala1560Val variant is located in a TGF-beta binding domain (TB6), and multiple lines of computational evidence suggest the variant may impact the gene or gene product. Based on the available evidence, the c.4679C>T p.(Ala1560Val) variant is classified as a variant of uncertain significance for Marfan syndrome.